The following is an entry in ClinVar:

NM_001032283.3(TMPO):c.228C>T (p.Val76=)

Genes: TMPO (thymopoietin; plus strand), TMPO-AS1 (TMPO antisense RNA 1; minus strand), LOC130008520 (ATAC-STARR-seq lymphoblastoid silent region 4752; plus strand). Cytogenetic location: 12q23.1.
Variant type: single nucleotide variant.
Coding change: c.228C>T on transcript NM_001032283.3 (MANE Select); coding-DNA position 228, C replaced by T.
Protein change: p.Val76=; no amino-acid change (valine 76 retained).
Molecular consequence: synonymous variant. On other transcripts: non-coding transcript variant (1).
Genome position (GRCh38, 1-based): chr12:98,516,095, C>T. VCF-style: chr12-98516095-C-T. GRCh37 (hg19) VCF-style: chr12-98909873-C-T.
Other names: c.228C>T, p.Val76= (NM_001032284.3, NM_001307975.2, NM_003276.2).
Identifiers: ClinVar variation 514149 (VCV000514149.10), dbSNP rs760772599, ClinGen allele CA6732134.

ClinVar aggregate classification (germline): Likely benign. Review status: criteria provided, multiple submitters, no conflicts (2 of 4 stars). 2 submissions from 2 submitters: Likely benign (2). Last evaluated 2020-10-30.

Conditions:
Loeys-Dietz syndrome 2 (LDS2). Also called: Marfan Syndrome type 2; Marfan like connective tissue disorder; MFS 2; Marfan syndrome, type 2 (formerly); AORTIC ANEURYSM, FAMILIAL THORACIC 3; MARFAN SYNDROME, TYPE II. Identifiers: Orphanet 284973, Orphanet 558, MedGen C2674574, MONDO:0012427, OMIM 610168.

Allele frequency attached by ClinVar (database versions not stated): gnomAD 0.00001; ExAC 0.00002.
gnomAD v4.1: 4 of 1,582,284 alleles (0.00025%); highest among the groups gnomAD compares: East Asian, 0.0069%; no homozygotes.

Submissions (2):

Labcorp Genetics (formerly Invitae), Labcorp
Classification: Likely benign for Loeys-Dietz syndrome 2. Last evaluated: 2020-10-30. Review status: criteria provided, single submitter. Criteria: Invitae Variant Classification Sherloc (09022015). Collection method: clinical testing. Allele origin: germline.

GeneDx
Classification: Likely benign. Last evaluated: 2017-12-26. Review status: criteria provided, single submitter. Criteria: GeneDx Variant Classification (06012015). Collection method: clinical testing. Allele origin: germline. Affected: yes.
Comment: This variant is considered likely benign or benign based on one or more of the following criteria: it is a conservative change, it occurs at a poorly conserved position in the protein, it is predicted to be benign by multiple in silico algorithms, and/or has population frequency not consistent with disease.